The following is an entry in ClinVar:

NM_002474.3(MYH11):c.709G>A (p.Asp237Asn)

Gene: MYH11 (myosin heavy chain 11; minus strand). Cytogenetic location: 16p13.11.
Variant type: single nucleotide variant.
Coding change: c.709G>A on transcript NM_002474.3 (MANE Select); coding-DNA position 709, G replaced by A.
Protein change: p.Asp237Asn; replaces aspartic acid 237 with asparagine.
Molecular consequence: missense variant.
Genome position (GRCh38, 1-based): chr16:15,782,402, C>T on the plus strand (G>A on the coding strand, the complement: MYH11 is on the minus strand). VCF-style: chr16-15782402-C-T. GRCh37 (hg19) VCF-style: chr16-15876259-C-T.
Other names: c.730G>A, p.Asp244Asn (NM_001040113.2, NM_001040114.2); c.709G>A, p.Asp237Asn (NM_022844.3); c.709G>A (NM_002474.2); short protein forms D244N, D237N.
Identifiers: ClinVar variation 465756 (VCV000465756.17), dbSNP rs1390176909, ClinGen allele CA394870786.

ClinVar aggregate classification (germline): Uncertain significance. Review status: criteria provided, multiple submitters, no conflicts (2 of 4 stars). 5 submissions from 5 submitters: Uncertain significance (5). Last evaluated 2025-10-01.

Conditions:
Familial thoracic aortic aneurysm and aortic dissection (TAAD). Also called: Thoracic aortic aneurysms and dissections. Identifiers: Orphanet 91387, MedGen C4707243, MONDO:0019625.
Aortic aneurysm, familial thoracic 4 (AAT4). Also called: AORTIC ANEURYSM/AORTIC DISSECTION AND PATENT DUCTUS ARTERIOSUS. Identifiers: MedGen C1851504, MONDO:0007568, OMIM 132900.

Allele frequency attached by ClinVar (database versions not stated): gnomAD exomes below 0.00001; TOPMed below 0.00001; gnomAD 0.00001.
gnomAD v4.1: 3 of 1,613,938 alleles (0.00019%); highest among the groups gnomAD compares: Non-Finnish European, 0.00025%; no homozygotes.

Submissions (5):

Color Diagnostics, LLC DBA Color Health
Classification: Uncertain significance for Familial thoracic aortic aneurysm and aortic dissection. Last evaluated: 2025-10-01. Review status: criteria provided, single submitter. Criteria: ACMG Guidelines, 2015. Collection method: clinical testing. Allele origin: germline.
Comment: This missense variant replaces aspartic acid with asparagine at codon 244 of the MYH11 protein. Computational prediction suggests that this variant may have deleterious impact on protein structure and function. To our knowledge, functional studies have not been reported for this variant. This variant has not been reported in individuals affected with MYH11-related disorders in the literature. This variant has been identified in 3/1613938 chromosomes in the general population by the Genome Aggregation Database (gnomAD). The available evidence is insufficient to determine the role of this variant in disease conclusively. Therefore, this variant is classified as a Variant of Uncertain Significance.

Ambry Genetics
Classification: Uncertain significance for Familial thoracic aortic aneurysm and aortic dissection. Last evaluated: 2025-08-05. Review status: criteria provided, single submitter. Criteria: Ambry Variant Classification Scheme 2023. Collection method: clinical testing. Allele origin: germline.
Comment: The p.D237N variant (also known as c.709G>A), located in coding exon 5 of the MYH11 gene, results from a G to A substitution at nucleotide position 709. The aspartic acid at codon 237 is replaced by asparagine, an amino acid with highly similar properties. This amino acid position is highly conserved in available vertebrate species. In addition, the in silico prediction for this alteration is inconclusive. Based on the available evidence, the clinical significance of this variant remains unclear.

GeneDx
Classification: Uncertain significance. Last evaluated: 2025-06-15. Review status: criteria provided, single submitter. Criteria: GeneDx Variant Classification Process June 2021. Collection method: clinical testing. Allele origin: germline. Affected: yes.
Comment: Not observed at significant frequency in large population cohorts (gnomAD); In silico analysis supports that this missense variant has a deleterious effect on protein structure/function; Has not been previously published as pathogenic or benign to our knowledge

All of Us Research Program, National Institutes of Health
Classification: Uncertain significance for Familial thoracic aortic aneurysm and aortic dissection. Last evaluated: 2024-06-09. Review status: criteria provided, single submitter. Criteria: ACMG Guidelines, 2015. Collection method: clinical testing. Allele origin: germline. Inheritance: Autosomal dominant inheritance. Observed: 3 variant alleles, 3 heterozygotes.
Comment: Variant of Uncertain Significance due to insufficient evidence: This missense variant is located in the myosin motor domain of the MYH11 protein. Computational prediction tools and conservation analyses suggest that this variant may have deleterious impact on the protein function. Computational splicing tools suggest that this variant may not impact RNA splicing. To our knowledge, functional assays have not been performed for this variant nor has this variant been reported in individuals affected with cardiovascular disorders in the literature. This variant is rare in the general population and has been identified in 0/277264 chromosomes by the Genome Aggregation Database (gnomAD). Available evidence is insufficient to determine the pathogenicity of this variant conclusively.

This study involves interpretation of variants in research participants for the purpose of population health screening. Participant phenotype was not available at the time of variant classification. Additional details can be found in publication PMID: 35346344, PMCID: PMC8962531

Labcorp Genetics (formerly Invitae), Labcorp
Classification: Uncertain significance for Aortic aneurysm, familial thoracic 4. Last evaluated: 2017-04-16. Review status: criteria provided, single submitter. Criteria: Invitae Variant Classification Sherloc (09022015). Collection method: clinical testing. Allele origin: germline.
Comment: This sequence change replaces aspartic acid with asparagine at codon 244 of the MYH11 protein (p.Asp244Asn). The aspartic acid residue is highly conserved and there is a small physicochemical difference between aspartic acid and asparagine. This variant is not present in population databases (ExAC no frequency) and has not been reported in the literature in individuals with a MYH11-related disease. Algorithms developed to predict the effect of missense changes on protein structure and function do not agree on the potential impact of this missense change (SIFT: "Deleterious"; PolyPhen-2: "Probably Damaging"; Align-GVGD: "Class C0"). In summary, this variant is a novel missense change with uncertain impact on protein function. It has been classified as a Variant of Uncertain Significance.